The following is an entry in ClinVar:

ClinVar aggregate classification (germline): Pathogenic. Review status: criteria provided, multiple submitters, no conflicts (2 of 4 stars). 2 submissions from 2 submitters: Pathogenic (2). Last evaluated 2023-09-27.

Conditions:
Usher syndrome type 1 (USH1). Also called: RETINITIS PIGMENTOSA AND CONGENITAL DEAFNESS. Identifiers: Orphanet 231169, Orphanet 886, MedGen C1568247, MONDO:0010168, OMIM 276900.

Submissions (2):

Myriad Genetics, Inc.
Classification: Pathogenic for Usher syndrome type 1. Last evaluated: 2023-09-27. Review status: criteria provided, single submitter. Criteria: Myriad Autosomal Dominant, Autosomal Recessive and X-Linked Classification Criteria (2023). Collection method: clinical testing. Allele origin: unknown.
Comment: NM_000260.3(MYO7A):c.2440dupC(R814Pfs*49) is expected to be pathogenic in the context of MYO7A-related disorders. This variant is predicted to lead to an abnormal or absent protein product due to the creation of a premature termination codon in MYO7A, a gene where loss-of-function variants are known to be pathogenic. Please note: this variant was assessed in the context of healthy population screening.

Labcorp Genetics (formerly Invitae), Labcorp
Classification: Pathogenic. Last evaluated: 2020-03-22. Review status: criteria provided, single submitter. Criteria: Invitae Variant Classification Sherloc (09022015). Collection method: clinical testing. Allele origin: germline.
Comment: For these reasons, this variant has been classified as Pathogenic. Loss-of-function variants in MYO7A are known to be pathogenic (PMID: 8900236, 25404053). This variant has not been reported in the literature in individuals with MYO7A-related conditions. The frequency data for this variant in the population databases is considered unreliable, as metrics indicate insufficient coverage at this position in the ExAC database. This sequence change creates a premature translational stop signal (p.Arg814Profs*49) in the MYO7A gene. It is expected to result in an absent or disrupted protein product.

Literature cited by the submitters: PubMed 8900236 (cited by Labcorp Genetics (formerly Invitae), Labcorp); PubMed 25404053 (cited by Labcorp Genetics (formerly Invitae), Labcorp).

NM_000260.4(MYO7A):c.2440dup (p.Arg814fs)

Gene: MYO7A (myosin VIIA; plus strand). Cytogenetic location: 11q13.5.
Variant type: Duplication.
Coding change: c.2440dup on transcript NM_000260.4 (MANE Select); coding-DNA position 2440, one base duplicated (C; older notation c.2440dupC).
Protein change: p.Arg814fs; shifts the reading frame from arginine 814.
Molecular consequence: frameshift variant.
Genome position (GRCh38, 1-based): chr11:77,179,807, C duplicated; the last of 3 consecutive C bases (chr11:77,179,805-77,179,807); duplicating any one gives the same sequence. VCF-style (leftmost placement, unchanged base first): chr11-77179804-G-GC. GRCh37 (hg19) VCF-style: chr11-76890850-G-GC.
Other names: c.2440dup, p.Arg814fs (NM_001127180.2); c.2407dup, p.Arg803fs (NM_001369365.1); short protein forms R803fs, R814fs.
Identifiers: ClinVar variation 1068826 (VCV001068826.8), dbSNP rs2135472044, ClinGen allele CA2499221316.
Genomic context (GRCh38, chr11:77,179,804, plus strand): 5'-GGCTTCCTGCGGCTGCAGGCCCTGCACCGCTCCCGGAAGCTGCACCAGCAGTACCGCCTG[G>GC]CCCGCCAGCGCATCATCCAGTTCCAGGCCCGCTGCCGCGCCTATCTGGTGCGCAAGGCCT-3'